The following is an entry in ClinVar:

ClinVar aggregate classification (germline): Uncertain significance. Review status: criteria provided, multiple submitters, no conflicts (2 of 4 stars). 3 submissions from 3 submitters: Uncertain significance (3). Last evaluated 2025-02-03.

Conditions:
Retinitis pigmentosa 68 (RP68). Identifiers: Orphanet 791, MedGen C3810380, MONDO:0014323, OMIM 615725.

Allele frequency attached by ClinVar (database versions not stated): ESP Exome Variant Server 0.00008; TOPMed 0.00014.
gnomAD v4.1: 35 of 1,614,068 alleles (0.0022%); highest among the groups gnomAD compares: African/African-American, 0.037%; no homozygotes.

Submissions (3):

Labcorp Genetics (formerly Invitae), Labcorp
Classification: Uncertain significance. Last evaluated: 2025-02-03. Review status: criteria provided, single submitter. Criteria: Invitae Variant Classification Sherloc (09022015). Collection method: clinical testing. Allele origin: germline.
Comment: This sequence change replaces phenylalanine, which is neutral and non-polar, with leucine, which is neutral and non-polar, at codon 336 of the SLC7A14 protein (p.Phe336Leu). This variant is present in population databases (rs371663286, gnomAD 0.03%). This variant has not been reported in the literature in individuals affected with SLC7A14-related conditions. ClinVar contains an entry for this variant (Variation ID: 836551). An algorithm developed to predict the effect of missense changes on protein structure and function (PolyPhen-2) suggests that this variant is likely to be tolerated. In summary, the available evidence is currently insufficient to determine the role of this variant in disease. Therefore, it has been classified as a Variant of Uncertain Significance.

Ambry Genetics
Classification: Uncertain significance. Last evaluated: 2024-12-03. Review status: criteria provided, single submitter. Criteria: Ambry Variant Classification Scheme 2023. Collection method: clinical testing. Allele origin: germline.

Revvity Omics, Revvity
Classification: Uncertain significance for Retinitis pigmentosa 68. Last evaluated: 2024-10-03. Review status: criteria provided, single submitter. Criteria: ACMG Guidelines, 2015. Collection method: clinical testing. Allele origin: germline.

NM_020949.3(SLC7A14):c.1008C>G (p.Phe336Leu)

Genes: SLC7A14 (solute carrier family 7 member 14; minus strand), SLC7A14-AS1 (SLC7A14 antisense RNA 1; plus strand). Cytogenetic location: 3q26.2.
Variant type: single nucleotide variant.
Coding change: c.1008C>G on transcript NM_020949.3 (MANE Select); coding-DNA position 1008, C replaced by G.
Protein change: p.Phe336Leu; replaces phenylalanine 336 with leucine.
Molecular consequence: missense variant.
Genome position (GRCh38, 1-based): chr3:170,483,421, G>C on the plus strand (C>G on the coding strand, the complement: SLC7A14 is on the minus strand). VCF-style: chr3-170483421-G-C. GRCh37 (hg19) VCF-style: chr3-170201210-G-C.
Other names: short protein forms F336L.
Identifiers: ClinVar variation 836551 (VCV000836551.11), dbSNP rs371663286, ClinGen allele CA2701748.